The following is an entry in ClinVar:

ClinVar aggregate classification (germline): Uncertain significance (1 of 4 stars; one submission).

Conditions:
Ehlers-Danlos syndrome, type 4 (EDSVASC). Also called: Ehlers-Danlos syndrome vascular type; Ehlers Danlos syndrome, ecchymotic type; Ehlers Danlos syndrome, arterial type; Ehlers Danlos syndrome, Sack-Barabas type; Ehlers-Danlos Syndrome Type IV. Identifiers: Orphanet 286, MedGen C0268338, MONDO:0017314, OMIM 130050.

Submission:

Labcorp Genetics (formerly Invitae), Labcorp
Classification: Uncertain significance for Ehlers-Danlos syndrome, type 4. Last evaluated: 2019-06-14. Review status: criteria provided, single submitter. Criteria: Invitae Variant Classification Sherloc (09022015). Collection method: clinical testing. Allele origin: germline.
Comment: Algorithms developed to predict the effect of missense changes on protein structure and function are either unavailable or do not agree on the potential impact of this missense change (SIFT: "Deleterious"; PolyPhen-2: "Not Available"; Align-GVGD: "Class C0"). In summary, the available evidence is currently insufficient to determine the role of this variant in disease. Therefore, it has been classified as a Variant of Uncertain Significance. This variant has not been reported in the literature in individuals with COL3A1-related conditions. This variant is not present in population databases (ExAC no frequency). This sequence change replaces lysine with asparagine at codon 1419 of the COL3A1 protein (p.Lys1419Asn). The lysine residue is highly conserved and there is a moderate physicochemical difference between lysine and asparagine.

NM_000090.4(COL3A1):c.4257A>C (p.Lys1419Asn)

Gene: COL3A1 (collagen type III alpha 1 chain; plus strand). Cytogenetic location: 2q32.2.
Variant type: single nucleotide variant.
Coding change: c.4257A>C on transcript NM_000090.4 (MANE Select); coding-DNA position 4257, A replaced by C.
Protein change: p.Lys1419Asn; replaces lysine 1419 with asparagine.
Molecular consequence: missense variant.
Genome position (GRCh38, 1-based): chr2:189,011,630, A>C. VCF-style: chr2-189011630-A-C. GRCh37 (hg19) VCF-style: chr2-189876356-A-C.
Other names: short protein forms K1419N.
Identifiers: ClinVar variation 952340 (VCV000952340.10), dbSNP rs754723643, ClinGen allele CA349850200.
Genomic context (GRCh38, chr2:189,011,630, plus strand): 5'-CAGAGTTGTCTAAGTAATTGTAATGTCATGATCATGTACATTTTGTCCTTTTTTACAGAA[A>C]CACACTGGGGAATGGAGCAAAACAGTCTTTGAATATCGAACACGCAAGGCTGTGAGACTA-3'
Protein context (NP_000081.2, residues 1409-1429): TYTVLEDGCT[Lys1419Asn]HTGEWSKTVF